The following is an entry in ClinVar:

ClinVar aggregate classification (germline): Likely benign (0 of 4 stars; one submission).

Conditions:
BBS1-related disorder. Also called: BBS1-related condition.

gnomAD v4.1: 2 of 1,612,614 alleles (0.00012%); highest among the groups gnomAD compares: Non-Finnish European, 0.00017%; no homozygotes.

Submission:

PreventionGenetics, part of Exact Sciences
Classification: Likely benign for BBS1-related condition. Last evaluated: 2021-02-08. Review status: no assertion criteria provided. Collection method: clinical testing. Allele origin: germline.
Comment: This variant is classified as likely benign based on ACMG/AMP sequence variant interpretation guidelines (Richards et al. 2015 PMID: 25741868, with internal and published modifications).

NM_024649.5(BBS1):c.1110+6C>T

Genes: BBS1 (Bardet-Biedl syndrome 1; plus strand), ZDHHC24 (zDHHC palmitoyltransferase 24; minus strand). Cytogenetic location: 11q13.2.
Variant type: single nucleotide variant.
Coding change: c.1110+6C>T on transcript NM_024649.5 (MANE Select); 6 bases into the intron after coding-DNA position 1110, C replaced by T.
Molecular consequence: intron variant.
Genome position (GRCh38, 1-based): chr11:66,523,888, C>T. VCF-style: chr11-66523888-C-T. GRCh37 (hg19) VCF-style: chr11-66291359-C-T.
Other names: c.*22-2422G>A (NM_001348571.2).
Identifiers: ClinVar variation 3358515 (VCV003358515.1).